The following is an entry in ClinVar:

NM_002834.5(PTPN11):c.11G>A (p.Arg4Gln)

Gene: PTPN11 (protein tyrosine phosphatase non-receptor type 11; plus strand). Cytogenetic location: 12q24.13.
Variant type: single nucleotide variant.
Coding change: c.11G>A on transcript NM_002834.5 (MANE Select); coding-DNA position 11, G replaced by A.
Protein change: p.Arg4Gln; replaces arginine 4 with glutamine.
Molecular consequence: missense variant.
Genome position (GRCh38, 1-based): chr12:112,419,122, G>A. VCF-style: chr12-112419122-G-A. GRCh37 (hg19) VCF-style: chr12-112856926-G-A.
Other names: c.11G>A, p.Arg4Gln (NM_001330437.2, NM_001374625.1, NM_080601.3); short protein forms R4Q.
Identifiers: ClinVar variation 2729546 (VCV002729546.3), dbSNP rs2499756229, ClinGen allele CA386773580.

ClinVar aggregate classification (germline): Likely pathogenic (1 of 4 stars; one submission).

Conditions:
RASopathy. Also called: rasopathies; Noonan spectrum disorder. Identifiers: Orphanet 536391, MedGen C5555857, MONDO:0021060.

Allele frequency attached by ClinVar (database versions not stated): gnomAD exomes below 0.00001.
gnomAD v4.1: 1 of 1,523,540 alleles (0.000066%); highest among the groups gnomAD compares: Non-Finnish European, 0.000088%; no homozygotes.

Submission:

Labcorp Genetics (formerly Invitae), Labcorp
Classification: Likely pathogenic for RASopathy. Last evaluated: 2025-12-24. Review status: criteria provided, single submitter. Criteria: Invitae Variant Classification Sherloc (09022015). Collection method: clinical testing. Allele origin: germline.
Comment: This sequence change replaces arginine, which is basic and polar, with glutamine, which is neutral and polar, at codon 4 of the PTPN11 protein (p.Arg4Gln). This variant is not present in population databases (gnomAD no frequency). This variant has not been reported in the literature in individuals affected with PTPN11-related conditions. ClinVar contains an entry for this variant (Variation ID: 2729546). Invitae Evidence Modeling of protein sequence and biophysical properties (such as structural, functional, and spatial information, amino acid conservation, physicochemical variation, residue mobility, and thermodynamic stability) indicates that this missense variant is expected to disrupt PTPN11 protein function with a positive predictive value of 95%. Experimental studies have shown that this missense change affects PTPN11 function (PMID: 32112654). This variant disrupts the p.Arg4 amino acid residue in PTPN11. Other variant(s) that disrupt this residue have been determined to be pathogenic (PMID: 34918830). This suggests that this residue is clinically significant, and that variants that disrupt this residue are likely to be disease-causing. In summary, the currently available evidence indicates that the variant is pathogenic, but additional data are needed to prove that conclusively. Therefore, this variant has been classified as Likely Pathogenic.

Literature cited by the submitters: PubMed 32112654; PubMed 34918830.